The following is an entry in ClinVar:

ClinVar aggregate classification (germline): Uncertain significance (1 of 4 stars; one submission).

Conditions:
Dyskeratosis congenita. Identifiers: Orphanet 1775, MedGen C0265965, MONDO:0015780.

gnomAD v4.1: 1 of 1,614,024 alleles (0.000062%); highest among the groups gnomAD compares: African/African-American, 0.0013%; no homozygotes.

Submission:

Labcorp Genetics (formerly Invitae), Labcorp
Classification: Uncertain significance for Dyskeratosis congenita. Last evaluated: 2024-10-28. Review status: criteria provided, single submitter. Criteria: Invitae Variant Classification Sherloc (09022015). Collection method: clinical testing. Allele origin: germline.
Comment: This sequence change replaces arginine, which is basic and polar, with lysine, which is basic and polar, at codon 445 of the TINF2 protein (p.Arg445Lys). This variant is not present in population databases (gnomAD no frequency). This variant has not been reported in the literature in individuals affected with TINF2-related conditions. An algorithm developed to predict the effect of missense changes on protein structure and function (PolyPhen-2) suggests that this variant is likely to be tolerated. In summary, the available evidence is currently insufficient to determine the role of this variant in disease. Therefore, it has been classified as a Variant of Uncertain Significance.

NM_001099274.3(TINF2):c.1334G>A (p.Arg445Lys)

Gene: TINF2 (TERF1 interacting nuclear factor 2; minus strand). Cytogenetic location: 14q12.
Variant type: single nucleotide variant.
Coding change: c.1334G>A on transcript NM_001099274.3 (MANE Select); coding-DNA position 1334, G replaced by A.
Protein change: p.Arg445Lys; replaces arginine 445 with lysine.
Molecular consequence: missense variant. On other transcripts: 3 prime UTR variant (1).
Genome position (GRCh38, 1-based): chr14:24,239,819, C>T on the plus strand (G>A on the coding strand, the complement: TINF2 is on the minus strand). VCF-style: chr14-24239819-C-T. GRCh37 (hg19) VCF-style: chr14-24709025-C-T.
Other names: c.1229G>A, p.Arg410Lys (NM_001363668.2); c.*596G>A (NM_012461.3); short protein forms R445K, R410K.
Identifiers: ClinVar variation 3673621 (VCV003673621.2).